The following is an entry in ClinVar:

NM_004493.3(HSD17B10):c.422C>G (p.Pro141Arg)

Gene: HSD17B10 (hydroxysteroid 17-beta dehydrogenase 10; minus strand). Cytogenetic location: Xp11.22.
Variant type: single nucleotide variant.
Coding change: c.422C>G on transcript NM_004493.3 (MANE Select); coding-DNA position 422, C replaced by G.
Protein change: p.Pro141Arg; replaces proline 141 with arginine.
Molecular consequence: missense variant.
Genome position (GRCh38, 1-based): chrX:53,432,052, G>C on the plus strand (C>G on the coding strand, the complement: HSD17B10 is on the minus strand). VCF-style: chrX-53432052-G-C. GRCh37 (hg19) VCF-style: chrX-53459000-G-C.
Other names: c.422C>G, p.Pro141Arg (NM_001037811.2); short protein forms P141R.
Identifiers: ClinVar variation 4882451 (VCV004882451.2).
Genomic context (GRCh38, chrX:53,432,052, plus strand): 5'-CCCTCGAAGGCAGCCACACTGGCAGTGTTGATGATGACCCCACGTTGGCCTCCCTGGTCT[G>C]GTTCATTCTGGCCCATCTCACCAGCCACCAGGCGGATCACATTGAAGGTGCCCATGAGAT-3'
Protein context (NP_004484.1, residues 131-151): LVAGEMGQNE[Pro141Arg]DQGGQRGVII

ClinVar aggregate classification (germline): Uncertain significance (1 of 4 stars; one submission).

Conditions:
HSD10 mitochondrial disease (HSD10MD). Also called: 2-METHYL-3-HYDROXYBUTYRYL-CoA DEHYDROGENASE DEFICIENCY; HSD17B10 DEFICIENCY; MHBD DEFICIENCY; 2-methyl-3-hydroxybutyric aciduria; HSD10 deficiency; 3H2MBD deficiency. Identifiers: Orphanet 391417, Orphanet 85295, MedGen C3266731, MONDO:0010327, OMIM 300438. Disease mechanism: loss of function.

Submission:

Dasa
Classification: Uncertain significance for HSD10 mitochondrial disease. Last evaluated: 2025-12-03. Review status: criteria provided, single submitter. Criteria: DASA Assertion Criteria. Collection method: clinical testing. Allele origin: germline.
Comment: NM_004493.3(HSD17B10):c.422C>G (p.Pro141Arg) is a missense variant that results in the substitution of proline with arginine. This variant is absent from population databases. The currently available literature and clinical evidence are not sufficient to establish a definitive association between this variant and the reported condition. Therefore, this variant is classified as a variant of uncertain significance.